The following is an entry in ClinVar:

ClinVar aggregate classification (germline): Pathogenic/Likely pathogenic. Review status: criteria provided, multiple submitters, no conflicts (2 of 4 stars). 6 submissions from 6 submitters: Pathogenic (3); Likely pathogenic (2). 1 of the submissions does not count toward it. Last evaluated 2025-05-28.

Conditions:
6-Pyruvoyl-tetrahydrobiopterin synthase deficiency. Also called: PTS DEFICIENCY; HYPERPHENYLALANINEMIA, TETRAHYDROBIOPTERIN-DEFICIENT, DUE TO PTS DEFICIENCY; Hyperphenylalanemia, BH4-deficient, A; Hyperphenylalaninemia due to 6-pyruvoyl-tetrahydropterin synthase deficiency; 6-Pyruvoyltetrahydropterin Synthase Deficiency; BH4-deficient hyperphenylalaninemia A. Identifiers: Orphanet 13, Orphanet 238583, MedGen C0878676, MONDO:0009863, OMIM 261640.

Allele frequency attached by ClinVar (database versions not stated): gnomAD exomes 0.00002; TOPMed 0.00002; ExAC 0.00003.
gnomAD v4.1: 22 of 1,613,432 alleles (0.0014%); highest among the groups gnomAD compares: South Asian, 0.0033%; no homozygotes.

Submissions (6):

Institute of Human Genetics, University of Leipzig Medical Center
Classification: Pathogenic for 6-Pyruvoyl-tetrahydrobiopterin synthase deficiency. Last evaluated: 2025-05-28. Review status: criteria provided, single submitter. Criteria: ACMG Guidelines, 2015. Collection method: clinical testing. Allele origin: unknown. Inheritance: Autosomal recessive inheritance. Affected: yes.
Comment: Criteria applied: PM2,PM3,PM5,PP3,PP4

Foundation for Research in Genetics and Endocrinology, FRIGE's Institute of Human Genetics
Classification: Pathogenic for 6-Pyruvoyl-tetrahydrobiopterin synthase deficiency. Last evaluated: 2024-04-09. Review status: criteria provided, single submitter. Criteria: ACMG Guidelines, 2015. Collection method: clinical testing. Allele origin: inherited. Inheritance: Autosomal recessive inheritance. Affected: yes. Observed: 1 compound heterozygote.
Comment: A heterozygous missense variation in exon 6 of the PTS gene that results in the amino acid substitution of Lysine for Glutamine at codon 134 was detected. The observed variant c.400G>A (p.Glu134Lys) has not been found in 1000 genomes database and has a minor allele frequency of 0.0015% and 0.0015% in the gnomAD and Topmed databases. The in silico prediction of the variant is damaging by FATHMM, SIFT, Revel and MutationTaster. The reference codon is conserved across species. In summary, the variant meets our criteria to be classified as a pathogenic.

Baylor Genetics
Classification: Likely pathogenic for 6-Pyruvoyl-tetrahydrobiopterin synthase deficiency. Last evaluated: 2024-02-16. Review status: criteria provided, single submitter. Criteria: ACMG Guidelines, 2015. Collection method: clinical testing. Allele origin: unknown.

Labcorp Genetics (formerly Invitae), Labcorp
Classification: Pathogenic for 6-Pyruvoyl-tetrahydrobiopterin synthase deficiency. Last evaluated: 2024-01-07. Review status: criteria provided, single submitter. Criteria: Invitae Variant Classification Sherloc (09022015). Collection method: clinical testing. Allele origin: germline.
Comment: This sequence change replaces glutamic acid, which is acidic and polar, with lysine, which is basic and polar, at codon 134 of the PTS protein (p.Glu134Lys). This variant is present in population databases (rs779681799, gnomAD 0.01%). This missense change has been observed in individual(s) with biopterin-deficient hyperphenylalaninemia (PMID: 27246466, 30926181). ClinVar contains an entry for this variant (Variation ID: 556230). An algorithm developed to predict the effect of missense changes on protein structure and function (PolyPhen-2) suggests that this variant is likely to be disruptive. For these reasons, this variant has been classified as Pathogenic.

Women's Health and Genetics/Laboratory Corporation of America, LabCorp
Classification: Likely pathogenic for 6-Pyruvoyl-tetrahydrobiopterin synthase deficiency. Last evaluated: 2023-07-25. Review status: criteria provided, single submitter. Criteria: LabCorp Variant Classification Summary - May 2015. Collection method: clinical testing. Allele origin: germline.
Comment: Variant summary: PTS c.400G>A (p.Glu134Lys) results in a conservative amino acid change in the encoded protein sequence. Four of five in-silico tools predict a damaging effect of the variant on protein function. The variant allele was found at a frequency of 1.6e-05 in 250752 control chromosomes (gnomAD). c.400G>A has been reported in the literature in individuals affected with 6-Pyruvoyl-Tetrahydropterin Synthase Deficiency (examples: Khatami_2017, Almannai_2019, Gundorova_2021). These data indicate that the variant is likely to be associated with disease. To our knowledge, no experimental evidence demonstrating an impact on protein function has been reported. The following publications have been ascertained in the context of this evaluation (PMID: 30926181, 33822819, 27246466). Two submitters have cited clinical-significance assessments for this variant to ClinVar after 2014. One submitter classified the variant as pathogenic, and one submitter classified the variant as uncertain significance. Based on the evidence outlined above, the variant was classified as likely pathogenic.

Counsyl
Classification: Uncertain significance for 6-Pyruvoyl-tetrahydrobiopterin synthase deficiency. Last evaluated: 2018-01-19. Review status: no assertion criteria provided. Collection method: clinical testing. Allele origin: unknown. Not counted in ClinVar's aggregate classification.

Literature cited by the submitters: PubMed 27246466 (cited by 3 submitters); PubMed 30926181 (cited by Labcorp Genetics (formerly Invitae), Labcorp and Women's Health and Genetics/Laboratory Corporation of America, LabCorp); PubMed 33822819 (cited by Women's Health and Genetics/Laboratory Corporation of America, LabCorp).

NM_000317.3(PTS):c.400G>A (p.Glu134Lys)

Gene: PTS (6-pyruvoyltetrahydropterin synthase; plus strand). Cytogenetic location: 11q23.1.
Variant type: single nucleotide variant.
Coding change: c.400G>A on transcript NM_000317.3 (MANE Select); coding-DNA position 400, G replaced by A.
Protein change: p.Glu134Lys; replaces glutamic acid 134 with lysine.
Molecular consequence: missense variant.
Genome position (GRCh38, 1-based): chr11:112,233,517, G>A. VCF-style: chr11-112233517-G-A. GRCh37 (hg19) VCF-style: chr11-112104240-G-A.
Other names: p.Glu134Lys; short protein forms E134K.
Identifiers: ClinVar variation 556230 (VCV000556230.13), dbSNP rs779681799, ClinGen allele CA6278598.